The following is an entry in ClinVar:

ClinVar aggregate classification (germline): Uncertain significance. Review status: criteria provided, multiple submitters, no conflicts (2 of 4 stars). 2 submissions from 2 submitters: Uncertain significance (2). Last evaluated 2020-08-18.

Conditions:
Arrhythmogenic right ventricular dysplasia 9 (ARVD9). Also called: Arrhythmogenic Right Ventricular Dysplasia/Cardiomyopathy 9; ARRHYTHMOGENIC RIGHT VENTRICULAR DYSPLASIA, FAMILIAL, 9. Identifiers: MedGen C1836906, MONDO:0012180, OMIM 609040.
Cardiovascular phenotype. Identifiers: MedGen CN230736.

Allele frequency attached by ClinVar (database versions not stated): TOPMed below 0.00001.

Submissions (2):

Ambry Genetics
Classification: Uncertain significance for Cardiovascular phenotype. Last evaluated: 2020-08-18. Review status: criteria provided, single submitter. Criteria: Ambry Variant Classification Scheme 2023. Collection method: clinical testing. Allele origin: germline.
Comment: The p.K67E variant (also known as c.199A>G), located in coding exon 1 of the PKP2 gene, results from an A to G substitution at nucleotide position 199. The lysine at codon 67 is replaced by glutamic acid, an amino acid with similar properties. This amino acid position is well conserved in available vertebrate species. In addition, this alteration is predicted to be tolerated by in silico analysis. Since supporting evidence is limited at this time, the clinical significance of this alteration remains unclear.

Labcorp Genetics (formerly Invitae), Labcorp
Classification: Uncertain significance for Arrhythmogenic right ventricular dysplasia 9. Last evaluated: 2020-06-06. Review status: criteria provided, single submitter. Criteria: Invitae Variant Classification Sherloc (09022015). Collection method: clinical testing. Allele origin: germline.
Comment: Algorithms developed to predict the effect of missense changes on protein structure and function do not agree on the potential impact of this missense change (SIFT: "Deleterious"; PolyPhen-2: "Benign"; Align-GVGD: "Class C15"). This variant has not been reported in the literature in individuals with PKP2-related disease. ClinVar contains an entry for this variant (Variation ID: 464417). This variant is not present in population databases (ExAC no frequency). This sequence change replaces lysine with glutamic acid at codon 67 of the PKP2 protein (p.Lys67Glu). The lysine residue is weakly conserved and there is a small physicochemical difference between lysine and glutamic acid. In summary, the available evidence is currently insufficient to determine the role of this variant in disease. Therefore, it has been classified as a Variant of Uncertain Significance.

NM_001005242.3(PKP2):c.199A>G (p.Lys67Glu)

Gene: PKP2 (plakophilin 2; minus strand). Cytogenetic location: 12p11.21.
Variant type: single nucleotide variant.
Coding change: c.199A>G on transcript NM_001005242.3 (MANE Select); coding-DNA position 199, A replaced by G.
Protein change: p.Lys67Glu; replaces lysine 67 with glutamic acid.
Molecular consequence: missense variant.
Genome position (GRCh38, 1-based): chr12:32,896,533, T>C on the plus strand (A>G on the coding strand, the complement: PKP2 is on the minus strand). VCF-style: chr12-32896533-T-C. GRCh37 (hg19) VCF-style: chr12-33049467-T-C.
Other names: c.199A>G, p.Lys67Glu (NM_004572.4); short protein forms K67E.
Identifiers: ClinVar variation 464417 (VCV000464417.12), dbSNP rs1555149950, ClinGen allele CA384370598.